The following is an entry in ClinVar:

NM_000264.5(PTCH1):c.2016G>A (p.Thr672=)

Genes: PTCH1 (patched 1; minus strand), LOC100507346 (uncharacterized LOC100507346; plus strand). Cytogenetic location: 9q22.32.
Variant type: single nucleotide variant.
Coding change: c.2016G>A on transcript NM_000264.5 (MANE Select); coding-DNA position 2016, G replaced by A.
Protein change: p.Thr672=; no amino-acid change (threonine 672 retained).
Molecular consequence: synonymous variant. On other transcripts: non-coding transcript variant (2).
Genome position (GRCh38, 1-based): chr9:95,468,985, C>T on the plus strand (G>A on the coding strand, the complement: PTCH1 is on the minus strand). VCF-style: chr9-95468985-C-T. GRCh37 (hg19) VCF-style: chr9-98231267-C-T.
Other names: c.1818G>A, p.Thr606= (NM_001083602.3); c.2013G>A, p.Thr671= (NM_001083603.3); c.1563G>A, p.Thr521= (NM_001083604.3, NM_001083605.3, NM_001083606.3 and 1 more transcripts); c.1860G>A, p.Thr620= (NM_001354918.2).
Identifiers: ClinVar variation 237464 (VCV000237464.24), dbSNP rs776286129, ClinGen allele CA5138462.

ClinVar aggregate classification (germline): Likely benign. Review status: criteria provided, multiple submitters, no conflicts (2 of 4 stars). 5 submissions from 5 submitters: Likely benign (5). Last evaluated 2026-01-28.

Conditions:
Hereditary cancer-predisposing syndrome. Also called: Tumor predisposition; Hereditary Cancer Syndrome; Neoplastic Syndromes, Hereditary; Hereditary neoplastic syndrome. Identifiers: Orphanet 140162, MedGen C0027672, MeSH D009386, MONDO:0015356.
Gorlin syndrome. Also called: Nevoid Basal Cell Carcinoma Syndrome; Basal cell nevus syndrome. Identifiers: Orphanet 377, MedGen C0004779, MONDO:0007187.

Allele frequency attached by ClinVar (database versions not stated): TOPMed below 0.00001; gnomAD 0.00001; ExAC 0.00002; gnomAD exomes 0.00002 and 0.00003.
gnomAD v4.1: 44 of 1,613,742 alleles (0.0027%); highest among the groups gnomAD compares: Non-Finnish European, 0.0036%; no homozygotes.

Submissions (5):

Labcorp Genetics (formerly Invitae), Labcorp
Classification: Likely benign for Gorlin syndrome. Last evaluated: 2026-01-28. Review status: criteria provided, single submitter. Criteria: Invitae Variant Classification Sherloc (09022015). Collection method: clinical testing. Allele origin: germline.

CeGaT Center for Human Genetics Tuebingen
Classification: Likely benign. Last evaluated: 2025-08-01. Review status: criteria provided, single submitter. Criteria: CeGaT Center For Human Genetics Tuebingen Variant Classification Criteria Version 2. Collection method: clinical testing. Allele origin: germline. Affected: yes. Observed: 1 variant allele.
Comment: PTCH1: BP4, BP7

Center for Genomic Medicine, Rigshospitalet, Copenhagen University Hospital
Classification: Likely benign. Last evaluated: 2025-03-04. Review status: criteria provided, single submitter. Criteria: ACMG Guidelines, 2015. Collection method: clinical testing. Allele origin: germline.

Ambry Genetics
Classification: Likely benign for Hereditary cancer-predisposing syndrome. Last evaluated: 2019-06-12. Review status: criteria provided, single submitter. Criteria: Ambry Variant Classification Scheme 2023. Collection method: clinical testing. Allele origin: germline.

Blueprint Genetics
Classification: Likely benign. Last evaluated: 2018-05-03. Review status: criteria provided, single submitter. Criteria: ACMG Guidelines, 2015. Collection method: clinical testing. Allele origin: germline.